The following is an entry in ClinVar:

ClinVar aggregate classification (germline): Uncertain significance (1 of 4 stars; one submission).

Conditions:
Perlman syndrome (PRLMNS). Identifiers: Orphanet 2849, MedGen C0796113, MONDO:0009965, OMIM 267000.

Submission:

Labcorp Genetics (formerly Invitae), Labcorp
Classification: Uncertain significance for Perlman syndrome. Last evaluated: 2023-08-20. Review status: criteria provided, single submitter. Criteria: Invitae Variant Classification Sherloc (09022015). Collection method: clinical testing. Allele origin: germline.
Comment: In summary, the available evidence is currently insufficient to determine the role of this variant in disease. Therefore, it has been classified as a Variant of Uncertain Significance. Advanced modeling of protein sequence and biophysical properties (such as structural, functional, and spatial information, amino acid conservation, physicochemical variation, residue mobility, and thermodynamic stability) performed at Invitae indicates that this missense variant is not expected to disrupt DIS3L2 protein function. ClinVar contains an entry for this variant (Variation ID: 1937583). This variant has not been reported in the literature in individuals affected with DIS3L2-related conditions. This variant is not present in population databases (gnomAD no frequency). This sequence change replaces cysteine, which is neutral and slightly polar, with serine, which is neutral and polar, at codon 312 of the DIS3L2 protein (p.Cys312Ser).

NM_152383.5(DIS3L2):c.935G>C (p.Cys312Ser)

Gene: DIS3L2 (DIS3 like 3'-5' exoribonuclease 2; plus strand). Cytogenetic location: 2q37.1.
Variant type: single nucleotide variant.
Coding change: c.935G>C on transcript NM_152383.5 (MANE Select); coding-DNA position 935, G replaced by C.
Protein change: p.Cys312Ser; replaces cysteine 312 with serine.
Molecular consequence: missense variant. On other transcripts: non-coding transcript variant (1).
Genome position (GRCh38, 1-based): chr2:232,136,704, G>C. VCF-style: chr2-232136704-G-C. GRCh37 (hg19) VCF-style: chr2-233001414-G-C.
Other names: c.935G>C, p.Cys312Ser (NM_001257281.2); short protein forms C312S.
Identifiers: ClinVar variation 1937583 (VCV001937583.5), dbSNP rs2469848870, ClinGen allele CA351153919.